The following is an entry in ClinVar:

ClinVar aggregate classification (germline): Likely pathogenic. Review status: criteria provided, multiple submitters, no conflicts (2 of 4 stars). 3 submissions from 3 submitters: Likely pathogenic (3). Last evaluated 2024-10-02.

Conditions:
Breast-ovarian cancer, familial, susceptibility to, 4. Identifiers: Orphanet 145, MedGen C3280345, MONDO:0013669, OMIM 614291.

Submissions (3):

Labcorp Genetics (formerly Invitae), Labcorp
Classification: Likely pathogenic for Breast-ovarian cancer, familial, susceptibility to, 4. Last evaluated: 2024-10-02. Review status: criteria provided, single submitter. Criteria: Invitae Variant Classification Sherloc (09022015). Collection method: clinical testing. Allele origin: germline.
Comment: This sequence change affects an acceptor splice site in intron 3 of the RAD51D gene. It is expected to disrupt RNA splicing. Variants that disrupt the donor or acceptor splice site typically lead to a loss of protein function (PMID: 16199547), and loss-of-function variants in RAD51D are known to be pathogenic (PMID: 21822267). This variant is not present in population databases (gnomAD no frequency). Disruption of this splice site has been observed in individual(s) with prostate cancer (PMID: 27433846). ClinVar contains an entry for this variant (Variation ID: 1012209). Algorithms developed to predict the effect of sequence changes on RNA splicing suggest that this variant may disrupt the consensus splice site. In summary, the currently available evidence indicates that the variant is pathogenic, but additional data are needed to prove that conclusively. Therefore, this variant has been classified as Likely Pathogenic.

Myriad Genetics, Inc.
Classification: Likely pathogenic for Breast-ovarian cancer, familial, susceptibility to, 4. Last evaluated: 2024-01-04. Review status: criteria provided, single submitter. Criteria: Myriad Autosomal Dominant, Autosomal Recessive and X-Linked Classification Criteria (2023). Collection method: clinical testing. Allele origin: unknown.
Comment: This variant is considered likely pathogenic. This variant occurs within a consensus splice junction and is predicted to result in abnormal mRNA splicing of either an out-of-frame exon or an in-frame exon necessary for protein stability and/or normal function.

Department of Molecular Diagnostics, Institute of Oncology Ljubljana
Classification: Likely pathogenic for Breast-ovarian cancer, familial, susceptibility to, 4. Last evaluated: 2020-04-02. Review status: criteria provided, single submitter. Criteria: ACMG Guidelines, 2015. Collection method: clinical testing. Allele origin: germline. Affected: yes.

Literature cited by the submitters: PubMed 16199547 (cited by Labcorp Genetics (formerly Invitae), Labcorp); PubMed 21822267 (cited by Labcorp Genetics (formerly Invitae), Labcorp); PubMed 27433846 (cited by Labcorp Genetics (formerly Invitae), Labcorp).

NM_002878.4(RAD51D):c.264-1G>T

Genes: RAD51D (RAD51 paralog D; minus strand), RAD51L3-RFFL (RAD51L3-RFFL readthrough; minus strand). Cytogenetic location: 17q12.
Variant type: single nucleotide variant.
Coding change: c.264-1G>T on transcript NM_002878.4 (MANE Select); the canonical splice acceptor site of the intron before coding-DNA position 264, G replaced by T.
Molecular consequence: splice acceptor variant. On other transcripts: intron variant (1).
Genome position (GRCh38, 1-based): chr17:35,107,448, C>A on the plus strand (G>T on the coding strand, the complement: RAD51D is on the minus strand). VCF-style: chr17-35107448-C-A. GRCh37 (hg19) VCF-style: chr17-33434467-C-A.
Other names: c.145-967G>T (NM_133629.3); c.324-1G>T (NM_001142571.2).
Identifiers: ClinVar variation 1012209 (VCV001012209.4), dbSNP rs2091622013, ClinGen allele CA399090038.